The following is an entry in ClinVar:

ClinVar aggregate classification (germline): Uncertain significance (1 of 4 stars; one submission).

Conditions:
Hereditary cancer-predisposing syndrome. Also called: Tumor predisposition; Neoplastic Syndromes, Hereditary; Hereditary Cancer Syndrome; Hereditary neoplastic syndrome. Identifiers: Orphanet 140162, MedGen C0027672, MeSH D009386, MONDO:0015356.

Submission:

Ambry Genetics
Classification: Uncertain significance for Hereditary cancer-predisposing syndrome. Last evaluated: 2022-07-19. Review status: criteria provided, single submitter. Criteria: Ambry Variant Classification Scheme 2023. Collection method: clinical testing. Allele origin: germline.
Comment: The p.P1051R variant (also known as c.3152C>G), located in coding exon 21 of the TSC1 gene, results from a C to G substitution at nucleotide position 3152. The proline at codon 1051 is replaced by arginine, an amino acid with dissimilar properties. This amino acid position is conserved. In addition, this alteration is predicted to be tolerated by in silico analysis. Since supporting evidence is limited at this time, the clinical significance of this alteration remains unclear.

NM_000368.5(TSC1):c.3152C>G (p.Pro1051Arg)

Gene: TSC1 (TSC complex subunit 1; minus strand). Cytogenetic location: 9q34.13.
Variant type: single nucleotide variant.
Coding change: c.3152C>G on transcript NM_000368.5 (MANE Select); coding-DNA position 3152, C replaced by G.
Protein change: p.Pro1051Arg; replaces proline 1051 with arginine.
Molecular consequence: missense variant.
Genome position (GRCh38, 1-based): chr9:132,896,578, G>C on the plus strand (C>G on the coding strand, the complement: TSC1 is on the minus strand). VCF-style: chr9-132896578-G-C. GRCh37 (hg19) VCF-style: chr9-135771965-G-C.
Other names: c.3149C>G, p.Pro1050Arg (NM_001162426.2, NM_001406597.1, NM_001406598.1 and 2 more transcripts); c.2999C>G, p.Pro1000Arg (NM_001162427.2, NM_001406610.1); c.2789C>G, p.Pro930Arg (NM_001362177.2, NM_001406614.1, NM_001406615.1 and 4 more transcripts); c.3152C>G, p.Pro1051Arg (NM_001406592.1, NM_001406593.1, NM_001406594.1 and 2 more transcripts); c.3137C>G, p.Pro1046Arg (NM_001406601.1, NM_001406602.1); c.3134C>G, p.Pro1045Arg (NM_001406603.1, NM_001406604.1); c.3110C>G, p.Pro1037Arg (NM_001406605.1, NM_001406606.1, NM_001406607.1); c.3107C>G, p.Pro1036Arg (NM_001406608.1, NM_001406609.1); and 8 more; short protein forms P733R, P916R, P985R, P1000R, P1046R, P734R, P915R, P929R.
Identifiers: ClinVar variation 1728207 (VCV001728207.2), dbSNP rs1588287285, ClinGen allele CA375367228.